The following is an entry in ClinVar:

NM_001061.7(TBXAS1):c.1527+20_1527+25dup

Gene: TBXAS1 (thromboxane A synthase 1; plus strand). Cytogenetic location: 7q34.
Variant type: Duplication.
Coding change: c.1527+20_1527+25dup on transcript NM_001061.7 (MANE Select); bases 20 to 25 of the intron after coding-DNA position 1527, 6 bases duplicated (AGGCAG; older notation c.1527+20_1527+25dupAGGCAG).
Molecular consequence: intron variant.
Genome position (GRCh38, 1-based): chr7:140,017,853-140,017,858, AGGCAG duplicated; duplicating any 6 consecutive bases within chr7:140,017,850-140,017,858 gives the same sequence; the c. name uses the placement nearest the transcript's 3' end. VCF-style (leftmost placement, unchanged base first): chr7-140017849-T-TCAGAGG. GRCh37 (hg19) VCF-style: chr7-139717649-T-TCAGAGG.
Other names: c.1527+20_1527+25dupAGGCAG (NM_001061.7); c.1527+20_1527+25dup (NM_001130966.5); c.1326+20_1326+25dup (NM_001166254.4); c.1470+20_1470+25dup (NM_001314028.4); c.1665+20_1665+25dup (NM_001166253.4); c.1364+1993_1364+1998dup (NM_030984.6); c.1344+20_1344+25dup (NM_001366537.3).
Identifiers: ClinVar variation 1902625 (VCV001902625.6), dbSNP rs752044945, ClinGen allele CA4512073.

ClinVar aggregate classification (germline): Likely benign. Review status: criteria provided, multiple submitters, no conflicts (2 of 4 stars). 2 submissions from 2 submitters: Likely benign (2). Last evaluated 2025-11-27.

Submissions (2):

Labcorp Genetics (formerly Invitae), Labcorp
Classification: Likely benign. Last evaluated: 2025-11-27. Review status: criteria provided, single submitter. Criteria: Invitae Variant Classification Sherloc (09022015). Collection method: clinical testing. Allele origin: germline.

Women's Health and Genetics/Laboratory Corporation of America, LabCorp
Classification: Likely benign. Last evaluated: 2024-04-12. Review status: criteria provided, single submitter. Criteria: LabCorp Variant Classification Summary - May 2015. Collection method: clinical testing. Allele origin: germline.
Comment: Variant summary: TBXAS1 c.1527+20_1527+25dupAGGCAG alters a nucleotide located at a position not widely known to affect splicing. Consensus agreement among computation tools predict no significant impact on normal splicing. However, these predictions have yet to be confirmed by functional studies. The variant allele was found at a frequency of 0.00011 in 248272 control chromosomes. To our knowledge, no occurrence of c.1527+20_1527+25dupAGGCAG in individuals affected with Ghosal Hematodiaphyseal Dysplasia and no experimental evidence demonstrating its impact on protein function have been reported. ClinVar contains an entry for this variant (Variation ID: 1902625). Based on the evidence outlined above, the variant was classified as likely benign.